The following is an entry in ClinVar:

NM_177438.3(DICER1):c.5365-4A>T

Gene: DICER1 (dicer 1, ribonuclease III; minus strand). Cytogenetic location: 14q32.13.
Variant type: single nucleotide variant.
Coding change: c.5365-4A>T on transcript NM_177438.3 (MANE Select); 4 bases into the intron before coding-DNA position 5365, A replaced by T.
Molecular consequence: intron variant.
Genome position (GRCh38, 1-based): chr14:95,091,369, T>A on the plus strand (A>T on the coding strand, the complement: DICER1 is on the minus strand). VCF-style: chr14-95091369-T-A. GRCh37 (hg19) VCF-style: chr14-95557706-T-A.
Other names: c.5365-4A>T (NM_001291628.2, NM_030621.4, NM_001395677.1 and 7 more transcripts); c.4960-4A>T (NM_001395690.1, NM_001395687.1, NM_001395689.1 and 1 more transcripts); c.5083-4A>T (NM_001395686.1); c.4798-4A>T (NM_001395691.1); c.3682-4A>T (NM_001395697.1); c.5365-260A>T (NM_001195573.1).
Identifiers: ClinVar variation 3501963 (VCV003501963.1).

ClinVar aggregate classification (germline): Uncertain significance (1 of 4 stars; one submission).

Conditions:
Hereditary cancer-predisposing syndrome. Also called: Tumor predisposition; Neoplastic Syndromes, Hereditary; Hereditary Cancer Syndrome; Hereditary neoplastic syndrome. Identifiers: Orphanet 140162, MedGen C0027672, MeSH D009386, MONDO:0015356.

gnomAD v4.1: 1 of 1,614,032 alleles (0.000062%); highest among the groups gnomAD compares: South Asian, 0.0011%; no homozygotes.

Submission:

Ambry Genetics
Classification: Uncertain significance for Hereditary cancer-predisposing syndrome. Last evaluated: 2024-12-09. Review status: criteria provided, single submitter. Criteria: Ambry Variant Classification Scheme 2023. Collection method: clinical testing. Allele origin: germline.
Comment: The c.5365-4A>T intronic variant results from an A to T substitution 4 nucleotides upstream from coding exon 24 in the DICER1 gene. This nucleotide position is well conserved in available vertebrate species. In silico splice site analysis predicts that this alteration may result in the creation or strengthening of a novel splice acceptor site. Based on the available evidence, the clinical significance of this variant remains unclear.